The following is an entry in ClinVar:

ClinVar aggregate classification (germline): Uncertain significance (1 of 4 stars; one submission).

Conditions:
Developmental and epileptic encephalopathy, 1 (DEE1). Also called: X-linked infantile spasms; West's syndrome; Tonic spasms with clustering, arrest of psychomotor development and hypsarrhythmia on EEG; X-Linked Infantile Spasm Syndrome; OHTAHARA SYNDROME, X-LINKED; INFANTILE SPASM SYNDROME, X-LINKED 1. Identifiers: MedGen C3463992, MONDO:0010632, OMIM 308350. Disease mechanism: loss of function.
Autosomal dominant nonsyndromic hearing loss 65. Also called: TBC1D24-Related Autosomal Dominant Nonsyndromic Hearing Loss (DFNA); Deafness, autosomal dominant 65. Identifiers: Orphanet 90635, MedGen C3892048, MONDO:0014470, OMIM 616044.
Caused by mutation in the TBC1 domain family, member 24.

Submission:

Labcorp Genetics (formerly Invitae), Labcorp
Classification: Uncertain significance for Developmental and epileptic encephalopathy, 1; Autosomal dominant nonsyndromic hearing loss 65. Last evaluated: 2021-04-23. Review status: criteria provided, single submitter. Criteria: Invitae Variant Classification Sherloc (09022015). Collection method: clinical testing. Allele origin: germline.
Comment: In summary, the available evidence is currently insufficient to determine the role of this variant in disease. Therefore, it has been classified as a Variant of Uncertain Significance. Experimental studies and prediction algorithms are not available or were not evaluated, and the functional significance of this variant is currently unknown. This variant has not been reported in the literature in individuals with TBC1D24-related conditions. This variant results in a copy number gain of the genomic region encompassing exon(s) 5-8 of the TBC1D24 gene. The 5' boundary is likely confined to intron 4. The 3' end of this event is unknown as it extends beyond the assayed region for this gene and therefore may encompass additional genes. As the precise location of this event is unknown, it may be in tandem or it may be located elsewhere in the genome.

NC_000016.9:g.(?_2549338)_(2550959_?)dup

Gene: TBC1D24 (TBC1 domain family member 24; plus strand). Cytogenetic location: 16p13.3.
Variant type: Duplication.
Identifiers: ClinVar variation 1399741 (VCV001399741.7).